The following is an entry in ClinVar:

ClinVar aggregate classification (germline): Uncertain significance (1 of 4 stars; one submission).

Conditions:
Joubert syndrome 8 (JBTS8). Identifiers: Orphanet 475, MedGen C2676771, MONDO:0012855, OMIM 612291.

Allele frequency attached by ClinVar (database versions not stated): ExAC 0.00001; gnomAD 0.00001; TOPMed 0.00002; ESP Exome Variant Server 0.00008.
gnomAD v4.1: 1 of 1,613,532 alleles (0.000062%); highest among the groups gnomAD compares: African/African-American, 0.0013%; no homozygotes.

Submission:

Labcorp Genetics (formerly Invitae), Labcorp
Classification: Uncertain significance for Joubert syndrome 8. Last evaluated: 2022-05-28. Review status: criteria provided, single submitter. Criteria: Invitae Variant Classification Sherloc (09022015). Collection method: clinical testing. Allele origin: germline.
Comment: This sequence change replaces threonine, which is neutral and polar, with isoleucine, which is neutral and non-polar, at codon 300 of the ARL13B protein (p.Thr300Ile). This variant is present in population databases (rs371417891, gnomAD 0.007%). This variant has not been reported in the literature in individuals affected with ARL13B-related conditions. Algorithms developed to predict the effect of missense changes on protein structure and function are either unavailable or do not agree on the potential impact of this missense change (SIFT: "Deleterious"; PolyPhen-2: "Benign"; Align-GVGD: "Class C0"). In summary, the available evidence is currently insufficient to determine the role of this variant in disease. Therefore, it has been classified as a Variant of Uncertain Significance.

NM_001174150.2(ARL13B):c.899C>T (p.Thr300Ile)

Gene: ARL13B (ARF like GTPase 13B; plus strand). Cytogenetic location: 3q11.2.
Variant type: single nucleotide variant.
Coding change: c.899C>T on transcript NM_001174150.2 (MANE Select); coding-DNA position 899, C replaced by T.
Protein change: p.Thr300Ile; replaces threonine 300 with isoleucine.
Molecular consequence: missense variant. On other transcripts: non-coding transcript variant (2).
Genome position (GRCh38, 1-based): chr3:94,043,115, C>T. VCF-style: chr3-94043115-C-T. GRCh37 (hg19) VCF-style: chr3-93761959-C-T.
Other names: c.590C>T, p.Thr197Ile (NM_001174151.2); c.854C>T, p.Thr285Ile (NM_001321328.2); c.899C>T, p.Thr300Ile (NM_001410782.1, NM_182896.3); c.578C>T, p.Thr193Ile (NM_144996.4); short protein forms T197I, T193I, T300I, T285I.
Identifiers: ClinVar variation 1908340 (VCV001908340.2), dbSNP rs371417891, ClinGen allele CA2504207.